The following is an entry in ClinVar:

NM_000371.4(TTR):c.173A>T (p.Asp58Val)

Gene: TTR (transthyretin; plus strand). Cytogenetic location: 18q12.1.
Variant type: single nucleotide variant.
Coding change: c.173A>T on transcript NM_000371.4 (MANE Select); coding-DNA position 173, A replaced by T.
Protein change: p.Asp58Val; replaces aspartic acid 58 with valine.
Molecular consequence: missense variant.
Genome position (GRCh38, 1-based): chr18:31,592,999, A>T. VCF-style: chr18-31592999-A-T. GRCh37 (hg19) VCF-style: chr18-29172962-A-T.
Other names: short protein forms D58V.
Identifiers: ClinVar variation 1458932 (VCV001458932.8), dbSNP rs1598844213, ClinGen allele CA402156831.
Genomic context (GRCh38, chr18:31,592,999, plus strand): 5'-ATGCTGTCCGAGGCAGTCCTGCCATCAATGTGGCCGTGCATGTGTTCAGAAAGGCTGCTG[A>T]TGACACCTGGGAGCCATTTGCCTCTGGGTAAGTTGCCAAAGAACCCTCCCACAGGACTTG-3'
Protein context (NP_000362.1, residues 48-68): VAVHVFRKAA[Asp58Val]DTWEPFASGK

ClinVar aggregate classification (germline): Pathogenic (1 of 4 stars; one submission).

Conditions:
Amyloidosis, hereditary systemic 1 (AMYLD1). Also called: Hereditary oculoleptomeningeal amyloid angiopathy; Familial Transthyretin Amyloidosis; Familial amyloid polyneuropathy; Transthyretin Amyloidosis; AMYLOID CARDIOMYOPATHY; Hereditary Transthyretin Amyloidosis. Identifiers: Orphanet 85447, Orphanet 85451, MedGen C2751492, MONDO:0971004, OMIM 105210.

Submission:

Labcorp Genetics (formerly Invitae), Labcorp
Classification: Pathogenic for Amyloidosis, hereditary systemic 1. Last evaluated: 2025-11-21. Review status: criteria provided, single submitter. Criteria: Invitae Variant Classification Sherloc (09022015). Collection method: clinical testing. Allele origin: germline.
Comment: This sequence change replaces aspartic acid, which is acidic and polar, with valine, which is neutral and non-polar, at codon 58 of the TTR protein (p.Asp58Val). This variant is not present in population databases (gnomAD no frequency). This missense change has been observed in individual(s) with clinical features of hereditary transthyretin-mediated amyloidosis (hATTR amyloidosis) (PMID: 12050338, 31718691; internal data). This variant is also known as Asp38Val. ClinVar contains an entry for this variant (Variation ID: 1458932). Invitae Evidence Modeling of protein sequence and biophysical properties (such as structural, functional, and spatial information, amino acid conservation, physicochemical variation, residue mobility, and thermodynamic stability) indicates that this missense variant is expected to disrupt TTR protein function with a positive predictive value of 95%. This variant disrupts the p.Asp58 amino acid residue in TTR. Other variant(s) that disrupt this residue have been determined to be pathogenic (PMID: 10611949, 23346293, 25644864). This suggests that this residue is clinically significant, and that variants that disrupt this residue are likely to be disease-causing. For these reasons, this variant has been classified as Pathogenic.

Literature cited by the submitters: PubMed 12050338; PubMed 31718691; PubMed 10611949; PubMed 23346293; PubMed 25644864.